The following is an entry in ClinVar:

NM_002439.5(MSH3):c.1459C>T (p.Gln487Ter)

Gene: MSH3 (mutS homolog 3; plus strand). Cytogenetic location: 5q14.1.
Variant type: single nucleotide variant.
Coding change: c.1459C>T on transcript NM_002439.5 (MANE Select); coding-DNA position 1459, C replaced by T.
Protein change: p.Gln487Ter; replaces glutamine 487 with a stop codon.
Molecular consequence: nonsense.
Genome position (GRCh38, 1-based): chr5:80,728,856, C>T. VCF-style: chr5-80728856-C-T. GRCh37 (hg19) VCF-style: chr5-80024675-C-T.
Other names: c.1459C>T (NM_002439.4, NM_002439.3); short protein forms Q487*.
Identifiers: ClinVar variation 1352920 (VCV001352920.8), dbSNP rs2112857813, ClinGen allele CA360274151.

ClinVar aggregate classification (germline): Pathogenic/Likely pathogenic. Review status: criteria provided, multiple submitters, no conflicts (2 of 4 stars). 3 submissions from 3 submitters: Pathogenic (2); Likely pathogenic (1). Last evaluated 2026-06-29.

Conditions:
Hereditary cancer-predisposing syndrome. Also called: Hereditary Cancer Syndrome; Neoplastic Syndromes, Hereditary; Hereditary neoplastic syndrome; Tumor predisposition. Identifiers: Orphanet 140162, MedGen C0027672, MeSH D009386, MONDO:0015356.

Submissions (3):

Ambry Genetics
Classification: Pathogenic for Hereditary cancer-predisposing syndrome. Last evaluated: 2026-06-29. Review status: criteria provided, single submitter. Criteria: Ambry Variant Classification Scheme 2023. Collection method: clinical testing. Allele origin: germline.
Comment: The p.Q487* pathogenic mutation (also known as c.1459C>T), located in coding exon 10 of the MSH3 gene, results from a C to T substitution at nucleotide position 1459. This changes the amino acid from a glutamine to a stop codon within coding exon 10. This variant is considered to be rare based on population cohorts in the Genome Aggregation Database (gnomAD). This alteration is expected to result in loss of function by premature protein truncation or nonsense-mediated mRNA decay. As such, this alteration is interpreted as a disease-causing mutation.

Quest Diagnostics Nichols Institute San Juan Capistrano
Classification: Likely pathogenic. Last evaluated: 2025-09-19. Review status: criteria provided, single submitter. Criteria: Quest Diagnostics criteria. Collection method: clinical testing. Allele origin: unknown.
Comment: The MSH3 c.1459C>T (p.Gln487*) variant is predicted to cause the premature termination of MSH3 protein synthesis. This variant has not been reported in the germline of individuals affected with MSH3-related disease in the published literature. However, it was identified in a colorectal tumor along with other variants (PMID: 28002797 (2017)). This variant has not been reported in large, multi-ethnic general populations (Genome Aggregation Database). Based on the available information, this variant is classified as likely pathogenic.

Labcorp Genetics (formerly Invitae), Labcorp
Classification: Pathogenic. Last evaluated: 2025-07-31. Review status: criteria provided, single submitter. Criteria: Invitae Variant Classification Sherloc (09022015). Collection method: clinical testing. Allele origin: germline.
Comment: This sequence change creates a premature translational stop signal (p.Gln487*) in the MSH3 gene. It is expected to result in an absent or disrupted protein product. Loss-of-function variants in MSH3 are known to be pathogenic (PMID: 27476653, 37402566). This variant is not present in population databases (gnomAD no frequency). This variant has not been reported in the literature in individuals affected with MSH3-related conditions. ClinVar contains an entry for this variant (Variation ID: 1352920). For these reasons, this variant has been classified as Pathogenic.

Literature cited by the submitters: PubMed 28002797 (cited by Quest Diagnostics Nichols Institute San Juan Capistrano); PubMed 27476653 (cited by Labcorp Genetics (formerly Invitae), Labcorp); PubMed 37402566 (cited by Labcorp Genetics (formerly Invitae), Labcorp).